The following is an entry in ClinVar:

NM_002772.3(TMPRSS15):c.2704C>G (p.Gln902Glu)

Gene: TMPRSS15 (transmembrane serine protease 15; minus strand). Cytogenetic location: 21q21.1.
Variant type: single nucleotide variant.
Coding change: c.2704C>G on transcript NM_002772.3 (MANE Select); coding-DNA position 2704, C replaced by G.
Protein change: p.Gln902Glu; replaces glutamine 902 with glutamic acid.
Molecular consequence: missense variant.
Genome position (GRCh38, 1-based): chr21:18,279,024, G>C on the plus strand (C>G on the coding strand, the complement: TMPRSS15 is on the minus strand). VCF-style: chr21-18279024-G-C. GRCh37 (hg19) VCF-style: chr21-19651341-G-C.
Other names: short protein forms Q902E.
Identifiers: ClinVar variation 786439 (VCV000786439.35), dbSNP rs138070518, ClinGen allele CA9983948.

ClinVar aggregate classification (germline): Benign/Likely benign. Review status: criteria provided, multiple submitters, no conflicts (2 of 4 stars). 5 submissions from 5 submitters: Benign (2); Likely benign (2). 1 of the submissions does not count toward it. Last evaluated 2026-02-01.

Conditions:
TMPRSS15-related disorder. Also called: TMPRSS15-related condition.

Allele frequency attached by ClinVar (database versions not stated): 1000 Genomes Project 30x 0.00250; 1000 Genomes Project 0.00280; gnomAD exomes 0.00367 and 0.00496; TOPMed 0.00394; gnomAD 0.00410 and 0.00411; ExAC 0.00437; ESP Exome Variant Server 0.00469.
gnomAD v4.1: 7,450 of 1,531,200 alleles (0.49%); highest among the groups gnomAD compares: Non-Finnish European, 0.59%; 34 homozygotes.

Submissions (5):

Labcorp Genetics (formerly Invitae), Labcorp
Classification: Benign. Last evaluated: 2026-02-01. Review status: criteria provided, single submitter. Criteria: Invitae Variant Classification Sherloc (09022015). Collection method: clinical testing. Allele origin: germline.

Blueprint Genetics
Classification: Likely benign. Last evaluated: 2024-11-27. Review status: criteria provided, single submitter. Criteria: ACMG Guidelines, 2015. Collection method: clinical testing. Allele origin: germline.

CeGaT Center for Human Genetics Tuebingen
Classification: Likely benign. Last evaluated: 2022-10-01. Review status: criteria provided, single submitter. Criteria: CeGaT Center For Human Genetics Tuebingen Variant Classification Criteria Version 2. Collection method: clinical testing. Allele origin: germline. Affected: yes. Observed: 1 variant allele.
Comment: TMPRSS15: BP4

Breakthrough Genomics
Classification: Benign. Review status: criteria provided, single submitter. Criteria: ACMG Guidelines, 2015. Collection method: not provided. Allele origin: germline. Inheritance: Autosomal recessive inheritance. Affected: yes.

PreventionGenetics, part of Exact Sciences
Classification: Likely benign for TMPRSS15-related condition. Last evaluated: 2019-05-20. Review status: no assertion criteria provided. Collection method: clinical testing. Allele origin: germline. Not counted in ClinVar's aggregate classification.
Comment: This variant is classified as likely benign based on ACMG/AMP sequence variant interpretation guidelines (Richards et al. 2015 PMID: 25741868, with internal and published modifications).